The following is an entry in ClinVar:

NM_000334.4(SCN4A):c.3360G>A (p.Ser1120=)

Genes: GH-LCR (growth hormone locus control region; plus strand), SCN4A (sodium voltage-gated channel alpha subunit 4; minus strand). Cytogenetic location: 17q23.3.
Variant type: single nucleotide variant.
Coding change: c.3360G>A on transcript NM_000334.4 (MANE Select); coding-DNA position 3360, G replaced by A.
Protein change: p.Ser1120=; no amino-acid change (serine 1120 retained).
Molecular consequence: synonymous variant.
Genome position (GRCh38, 1-based): chr17:63,947,126, C>T on the plus strand (G>A on the coding strand, the complement: SCN4A is on the minus strand). VCF-style: chr17-63947126-C-T. GRCh37 (hg19) VCF-style: chr17-62024486-C-T.
Other names: p.Ser1120=.
Identifiers: ClinVar variation 324522 (VCV000324522.17), dbSNP rs377187913, ClinGen allele CA8709297.

ClinVar aggregate classification (germline): Conflicting classifications of pathogenicity. Review status: criteria provided, conflicting classifications (1 of 4 stars). 7 submissions from 3 submitters: Uncertain significance (1); Benign (4); Likely benign (2). Last evaluated 2025-09-22.

Conditions:
Congenital myasthenic syndrome 16. Identifiers: Orphanet 590, MedGen C3280112, MONDO:0013620, OMIM 614198.
Hyperkalemic periodic paralysis. Also called: Familial hyperkalemic periodic paralysis; Gamstorp disease. Identifiers: Orphanet 682, MedGen C0238357, MONDO:0008224, OMIM 170500, HP:0007215.
Paramyotonia congenita of Von Eulenburg. Also called: Paramyotonia Congenita; PARALYSIS PERIODICA PARAMYOTONICA; Eulenburg disease; Myotonia congenita intermittens; Von Eulenburg paramyotonia congenita. Identifiers: Orphanet 684, MedGen C0221055, MONDO:0008195, OMIM 168300. Disease mechanism: loss of function.
Potassium-aggravated myotonia. Also called: Myotonia congenita, atypical, acetazolamide-responsive; MYOTONIA CONGENITA, ACETAZOLAMIDE-RESPONSIVE; MYOTONIA CONGENITA, ATYPICAL; SODIUM CHANNEL MUSCLE DISEASE. Identifiers: Orphanet 612, Orphanet 99734, Orphanet 99735, Orphanet 99736, MedGen C2931826, MONDO:0018959, OMIM 608390.
Hypokalemic periodic paralysis, type 2 (HOKPP2). Identifiers: Orphanet 681, MedGen C2750061, MONDO:0013234, OMIM 613345.

Allele frequency attached by ClinVar (database versions not stated): TOPMed 0.00017; ExAC 0.00025; ESP Exome Variant Server 0.00016; gnomAD 0.00017; gnomAD exomes 0.00025.
gnomAD v4.1: 365 of 1,613,454 alleles (0.023%); highest among the groups gnomAD compares: Non-Finnish European, 0.024%; no homozygotes.

Submissions (7):

Labcorp Genetics (formerly Invitae), Labcorp
Classification: Likely benign for Hyperkalemic periodic paralysis. Last evaluated: 2025-09-22. Review status: criteria provided, single submitter. Criteria: Invitae Variant Classification Sherloc (09022015). Collection method: clinical testing. Allele origin: germline.

Mayo Clinic Laboratories, Mayo Clinic
Classification: Likely benign. Last evaluated: 2025-03-26. Review status: criteria provided, single submitter. Criteria: ACMG Guidelines, 2015. Collection method: clinical testing. Allele origin: germline. Observed: 1 variant allele.
Comment: BS1, BP4, BP7

Illumina Laboratory Services, Illumina
Classification: Benign for Potassium-aggravated myotonia. Last evaluated: 2018-01-13. Review status: criteria provided, single submitter. Criteria: ICSL Variant Classification Criteria 13 December 2019. Collection method: clinical testing. Allele origin: germline.
Comment: This variant was observed in the ICSL laboratory as part of a predisposition screen in an ostensibly healthy population. It had not been previously curated by ICSL or reported in the Human Gene Mutation Database (HGMD: prior to June 1st, 2018), and was therefore a candidate for classification through an automated scoring system. Utilizing variant allele frequency, disease prevalence and penetrance estimates, and inheritance mode, an automated score was calculated to assess if this variant is too frequent to cause the disease. Based on the score and internal cut-off values, a variant classified as benign is not then subjected to further curation. The score for this variant resulted in a classification of benign for this disease.

Illumina Laboratory Services, Illumina
Classification: Benign for Hyperkalemic periodic paralysis. Last evaluated: 2018-01-13. Review status: criteria provided, single submitter. Criteria: ICSL Variant Classification Criteria 13 December 2019. Collection method: clinical testing. Allele origin: germline.
Comment: the same text as in the submission from Illumina Laboratory Services, Illumina above.

Illumina Laboratory Services, Illumina
Classification: Benign for Paramyotonia congenita of Von Eulenburg. Last evaluated: 2018-01-13. Review status: criteria provided, single submitter. Criteria: ICSL Variant Classification Criteria 13 December 2019. Collection method: clinical testing. Allele origin: germline.
Comment: the same text as in the submission from Illumina Laboratory Services, Illumina above.

Illumina Laboratory Services, Illumina
Classification: Benign for Hypokalemic periodic paralysis, type 2. Last evaluated: 2018-01-13. Review status: criteria provided, single submitter. Criteria: ICSL Variant Classification Criteria 13 December 2019. Collection method: clinical testing. Allele origin: germline.
Comment: the same text as in the submission from Illumina Laboratory Services, Illumina above.

Illumina Laboratory Services, Illumina
Classification: Uncertain significance for Congenital myasthenic syndrome 16. Last evaluated: 2018-01-13. Review status: criteria provided, single submitter. Criteria: ICSL Variant Classification Criteria 13 December 2019. Collection method: clinical testing. Allele origin: germline.